The following is an entry in ClinVar:

NM_181523.3(PIK3R1):c.1539_1547del (p.Lys513_Gly516delinsAsn)

Gene: PIK3R1 (phosphoinositide-3-kinase regulatory subunit 1; plus strand). Cytogenetic location: 5q13.1.
Variant type: Deletion.
Coding change: c.1539_1547del on transcript NM_181523.3 (MANE Select); coding-DNA positions 1539 to 1547, 9 bases deleted (ACGTGAAGG; older notation c.1539_1547delACGTGAAGG).
Protein change: p.Lys513_Gly516delinsAsn.
Molecular consequence: inframe indel.
Genome position (GRCh38, 1-based): chr5:68,294,649-68,294,657, ACGTGAAGG deleted. VCF-style (leftmost placement, unchanged base first): chr5-68294648-AACGTGAAGG-A. GRCh37 (hg19) VCF-style: chr5-67590476-AACGTGAAGG-A.
Other names: c.450_458del, p.Lys150_Gly153delinsAsn (NM_001242466.2); c.729_737del, p.Lys243_Gly246delinsAsn (NM_181504.4); c.639_647del, p.Lys213_Gly216delinsAsn (NM_181524.2).
Identifiers: ClinVar variation 2951378 (VCV002951378.3), dbSNP rs2531007212, ClinGen allele CA2740091740.

ClinVar aggregate classification (germline): Uncertain significance (1 of 4 stars; one submission).

Conditions:
SHORT syndrome. Also called: LIPODYSTROPHY, PARTIAL, WITH RIEGER ANOMALY AND SHORT STATURE; PIK3R1-Related SHORT Syndrome; SHORT STATURE, HYPEREXTENSIBILITY, HERNIA, OCULAR DEPRESSION, RIEGER ANOMALY, AND TEETHING DELAY. Identifiers: Orphanet 3163, MedGen C0878684, MONDO:0010026, OMIM 269880.
Agammaglobulinemia 7, autosomal recessive (AGM7). Also called: AGAMMAGLOBULINEMIA, AUTOSOMAL RECESSIVE, DUE TO PIK3R1 DEFECT. Identifiers: MedGen C3554689, MONDO:0014083, OMIM 615214.
Immunodeficiency 36 with lymphoproliferation. Also called: Immunodeficiency 36; ACTIVATED PI3K-DELTA SYNDROME 2; Activated PI3K Delta Syndrome Type 2 (APDS2). Identifiers: Orphanet 397596, Orphanet 693681, MedGen C4014934, MONDO:0014453, OMIM 616005.

Submission:

Labcorp Genetics (formerly Invitae), Labcorp
Classification: Uncertain significance for SHORT syndrome; Immunodeficiency 36 with lymphoproliferation; Agammaglobulinemia 7, autosomal recessive. Last evaluated: 2024-02-17. Review status: criteria provided, single submitter. Criteria: Invitae Variant Classification Sherloc (09022015). Collection method: clinical testing. Allele origin: germline.
Comment: This variant, c.1539_1547del, is a complex sequence change that results in the deletion of 4 and insertion of 1 amino acid(s) in the PIK3R1 protein (p.Lys513_Gly516delinsAsn). This variant is not present in population databases (gnomAD no frequency). This variant has not been reported in the literature in individuals affected with PIK3R1-related conditions. Experimental studies and prediction algorithms are not available or were not evaluated, and the functional significance of this variant is currently unknown. In summary, the available evidence is currently insufficient to determine the role of this variant in disease. Therefore, it has been classified as a Variant of Uncertain Significance.